The following is an entry in ClinVar:

NM_000179.3(MSH6):c.3647-5_3647-2dup

Gene: MSH6 (mutS homolog 6; plus strand). Cytogenetic location: 2p16.3.
Variant type: Duplication.
Coding change: c.3647-5_3647-2dup on transcript NM_000179.3 (MANE Select); 5 bases into the intron before coding-DNA position 3647 through the canonical splice acceptor site of the intron before coding-DNA position 3647, 4 bases duplicated (AACA; older notation c.3647-5_3647-2dupAACA).
Molecular consequence: splice acceptor variant.
Genome position (GRCh38, 1-based): chr2:47,806,199-47,806,202, AACA duplicated. VCF-style (leftmost placement, unchanged base first): chr2-47806198-T-TAACA. GRCh37 (hg19) VCF-style: chr2-48033337-T-TAACA.
Other names: c.2741-5_2741-2dup (NM_001281493.2, NM_001281494.2); c.3257-5_3257-2dup (NM_001281492.2).
Identifiers: ClinVar variation 2018828 (VCV002018828.6), dbSNP rs2530837030, ClinGen allele CA2580067273.

ClinVar aggregate classification (germline): Uncertain significance. Review status: criteria provided, multiple submitters, no conflicts (2 of 4 stars). 2 submissions from 2 submitters: Uncertain significance (2). Last evaluated 2023-09-19.

Conditions:
Hereditary nonpolyposis colorectal neoplasms. Identifiers: MedGen C0009405, MeSH D003123.
Hereditary cancer-predisposing syndrome. Also called: Hereditary Cancer Syndrome; Neoplastic Syndromes, Hereditary; Hereditary neoplastic syndrome; Tumor predisposition. Identifiers: Orphanet 140162, MedGen C0027672, MeSH D009386, MONDO:0015356.

Submissions (2):

Color Diagnostics, LLC DBA Color Health
Classification: Uncertain significance for Hereditary cancer-predisposing syndrome. Last evaluated: 2023-09-19. Review status: criteria provided, single submitter. Criteria: ACMG Guidelines, 2015. Collection method: clinical testing. Allele origin: germline.
Comment: This variant causes a duplication of 4 nucleotides between positions -5 and -2 in intron 7 of the MSH6 gene. Splice site prediction tools suggest that this variant may not impact RNA splicing. To our knowledge, RNA studies have not been reported for this variant. This variant has not been reported in individuals affected with MSH6-related disorders in the literature. This variant has not been identified in the general population by the Genome Aggregation Database (gnomAD). The available evidence is insufficient to determine the role of this variant in disease conclusively. Therefore, this variant is classified as a Variant of Uncertain Significance.

Labcorp Genetics (formerly Invitae), Labcorp
Classification: Uncertain significance for Hereditary nonpolyposis colorectal neoplasms. Last evaluated: 2022-07-22. Review status: criteria provided, single submitter. Criteria: Invitae Variant Classification Sherloc (09022015). Collection method: clinical testing. Allele origin: germline.
Comment: This sequence change falls in intron 7 of the MSH6 gene. It does not directly change the encoded amino acid sequence of the MSH6 protein. This variant is not present in population databases (gnomAD no frequency). This variant has not been reported in the literature in individuals affected with MSH6-related conditions. Experimental studies and prediction algorithms are not available or were not evaluated, and the effect of this variant on mRNA splicing is currently unknown. In summary, the available evidence is currently insufficient to determine the role of this variant in disease. Therefore, it has been classified as a Variant of Uncertain Significance.